The following is an entry in ClinVar:

NM_020779.4(WDR35):c.1322G>A (p.Trp441Ter)

Gene: WDR35 (WD repeat domain 35; minus strand). Cytogenetic location: 2p24.1.
Variant type: single nucleotide variant.
Coding change: c.1322G>A on transcript NM_020779.4 (MANE Select); coding-DNA position 1322, G replaced by A.
Protein change: p.Trp441Ter; replaces tryptophan 441 with a stop codon.
Molecular consequence: nonsense.
Genome position (GRCh38, 1-based): chr2:19,953,912, C>T on the plus strand (G>A on the coding strand, the complement: WDR35 is on the minus strand). VCF-style: chr2-19953912-C-T. GRCh37 (hg19) VCF-style: chr2-20153673-C-T.
Other names: c.1355G>A, p.Trp452Ter (NM_001006657.2); short protein forms W452*, W441*.
Identifiers: ClinVar variation 2948787 (VCV002948787.3), dbSNP rs2527903495, ClinGen allele CA345945624.

ClinVar aggregate classification (germline): Pathogenic (1 of 4 stars; one submission).

Conditions:
Short-rib thoracic dysplasia 7 with or without polydactyly (SRTD7). Also called: SHORT-RIB THORACIC DYSPLASIA 7 WITH POLYDACTYLY; Short rib polydactyly syndrome 5. Identifiers: Orphanet 498497, Orphanet 93271, MedGen C3279792, MONDO:0013569, OMIM 614091.
Cranioectodermal dysplasia 2 (CED2). Identifiers: Orphanet 1515, MedGen C3150874, MONDO:0013323, OMIM 613610.

Submission:

Labcorp Genetics (formerly Invitae), Labcorp
Classification: Pathogenic for Cranioectodermal dysplasia 2; Short-rib thoracic dysplasia 7 with or without polydactyly. Last evaluated: 2023-06-11. Review status: criteria provided, single submitter. Criteria: Invitae Variant Classification Sherloc (09022015). Collection method: clinical testing. Allele origin: germline.
Comment: This variant is not present in population databases (gnomAD no frequency). For these reasons, this variant has been classified as Pathogenic. This variant has not been reported in the literature in individuals affected with WDR35-related conditions. This sequence change creates a premature translational stop signal (p.Trp452*) in the WDR35 gene. It is expected to result in an absent or disrupted protein product. Loss-of-function variants in WDR35 are known to be pathogenic (PMID: 22486404, 29068549).

Literature cited by the submitters: PubMed 22486404; PubMed 29068549.